The following is an entry in ClinVar:

ClinVar aggregate classification (germline): Uncertain significance (1 of 4 stars; one submission).

Submission:

Labcorp Genetics (formerly Invitae), Labcorp
Classification: Uncertain significance. Last evaluated: 2024-08-05. Review status: criteria provided, single submitter. Criteria: Invitae Variant Classification Sherloc (09022015). Collection method: clinical testing. Allele origin: germline.
Comment: This sequence change replaces glycine, which is neutral and non-polar, with alanine, which is neutral and non-polar, at codon 1140 of the ERCC6L2 protein (p.Gly1140Ala). This variant is not present in population databases (gnomAD no frequency). This variant has not been reported in the literature in individuals affected with ERCC6L2-related conditions. Experimental studies and prediction algorithms are not available or were not evaluated, and the functional significance of this variant is currently unknown. In summary, the available evidence is currently insufficient to determine the role of this variant in disease. Therefore, it has been classified as a Variant of Uncertain Significance.

NM_020207.7(ERCC6L2):c.3386G>C (p.Gly1129Ala)

Gene: ERCC6L2 (ERCC excision repair 6 like 2; plus strand). Cytogenetic location: 9q22.32.
Variant type: single nucleotide variant.
Coding change: c.3386G>C on transcript NM_020207.7 (MANE Select); coding-DNA position 3386, G replaced by C.
Protein change: p.Gly1129Ala; replaces glycine 1129 with alanine.
Molecular consequence: missense variant. On other transcripts: non-coding transcript variant (1).
Genome position (GRCh38, 1-based): chr9:95,978,109, G>C. VCF-style: chr9-95978109-G-C. GRCh37 (hg19) VCF-style: chr9-98740391-G-C.
Other names: c.3386G>C, p.Gly1129Ala (NM_001375294.1, NM_001375293.1, NM_001375291.1 and 1 more transcripts); short protein forms G1129A.
Identifiers: ClinVar variation 3661491 (VCV003661491.2).
Genomic context (GRCh38, chr9:95,978,109, plus strand): 5'-ATTACCTCCTAGATGGCGTTCAGGAAGTGGCTTATATTCACTCAAACCAGAATGTAATTG[G>C]ATCGAGCAAAGCTGAAAATCACATGAGCCGATGGGCAGCACATGACGTATTTGAGTTGAA-3'
Protein context (NP_064592.3, residues 1119-1139): AYIHSNQNVI[Gly1129Ala]SSKAENHMSR